The following is an entry in ClinVar:

Conditions:
Arteriohepatic dysplasia. Also called: Alagille Syndrome. Identifiers: Orphanet 52, MedGen C0085280, MeSH D016738, MONDO:0007318.

Submission:

Gilbert/Spinner Lab, Children's Hospital of Philadelphia
No classification provided (evidence only). Condition: Alagille syndrome. Review status: no classification provided. Collection method: research. Allele origin: not applicable. Functional consequence: functionally_abnormal.
ClinVar note: "not provided" was previously submitted as the classification for the variant. However, the classification appeared to be based only on an observation of functional data so it was converted to no classification on 2025-07-30.

NM_000214.3(JAG1):c.541T>A (p.Tyr181Asn)

Gene: JAG1 (jagged canonical Notch ligand 1; minus strand). Cytogenetic location: 20p12.2.
Variant type: single nucleotide variant.
Coding change: c.541T>A on transcript NM_000214.3 (MANE Select); coding-DNA position 541, T replaced by A.
Protein change: p.Tyr181Asn; replaces tyrosine 181 with asparagine.
Molecular consequence: missense variant.
Genome position (GRCh38, 1-based): chr20:10,658,621, A>T on the plus strand (T>A on the coding strand, the complement: JAG1 is on the minus strand). VCF-style: chr20-10658621-A-T. GRCh37 (hg19) VCF-style: chr20-10639269-A-T.
Other names: short protein forms Y181N.
Identifiers: ClinVar variation 3573055 (VCV003573055.2).